The following is an entry in ClinVar:

ClinVar aggregate classification (germline): Uncertain significance. Review status: criteria provided, multiple submitters, no conflicts (2 of 4 stars). 2 submissions from 2 submitters: Uncertain significance (2). Last evaluated 2025-11-19.

Conditions:
Lethal multiple pterygium syndrome (LMPS). Identifiers: Orphanet 33108, MedGen C1854678, MONDO:0009668, OMIM 253290.

Allele frequency attached by ClinVar (database versions not stated): TOPMed below 0.00001; ExAC 0.00001; gnomAD 0.00001; gnomAD exomes 0.00001 and 0.00002; ESP Exome Variant Server 0.00008.
gnomAD v4.1: 29 of 1,613,972 alleles (0.0018%); highest among the groups gnomAD compares: Non-Finnish European, 0.0023%; no homozygotes.

Submissions (2):

Labcorp Genetics (formerly Invitae), Labcorp
Classification: Uncertain significance for Lethal multiple pterygium syndrome. Last evaluated: 2025-11-19. Review status: criteria provided, single submitter. Criteria: Invitae Variant Classification Sherloc (09022015). Collection method: clinical testing. Allele origin: germline.
Comment: This sequence change replaces aspartic acid, which is acidic and polar, with glutamic acid, which is acidic and polar, at codon 34 of the CHRNA1 protein (p.Asp34Glu). This variant is present in population databases (rs377254749, gnomAD 0.007%). This variant has not been reported in the literature in individuals affected with CHRNA1-related conditions. ClinVar contains an entry for this variant (Variation ID: 947580). Invitae Evidence Modeling of protein sequence and biophysical properties (such as structural, functional, and spatial information, amino acid conservation, physicochemical variation, residue mobility, and thermodynamic stability) indicates that this missense variant is not expected to disrupt CHRNA1 protein function with a negative predictive value of 80%. In summary, the available evidence is currently insufficient to determine the role of this variant in disease. Therefore, it has been classified as a Variant of Uncertain Significance.

Revvity Omics, Revvity
Classification: Uncertain significance. Last evaluated: 2024-12-11. Review status: criteria provided, single submitter. Criteria: ACMG Guidelines, 2015. Collection method: clinical testing. Allele origin: germline.

NM_000079.4(CHRNA1):c.102C>A (p.Asp34Glu)

Gene: CHRNA1 (cholinergic receptor nicotinic alpha 1 subunit; minus strand). Cytogenetic location: 2q31.1.
Variant type: single nucleotide variant.
Coding change: c.102C>A on transcript NM_000079.4 (MANE Select); coding-DNA position 102, C replaced by A.
Protein change: p.Asp34Glu; replaces aspartic acid 34 with glutamic acid.
Molecular consequence: missense variant.
Genome position (GRCh38, 1-based): chr2:174,759,575, G>T on the plus strand (C>A on the coding strand, the complement: CHRNA1 is on the minus strand). VCF-style: chr2-174759575-G-T. GRCh37 (hg19) VCF-style: chr2-175624303-G-T.
Other names: c.102C>A, p.Asp34Glu (NM_001039523.3); short protein forms D34E.
Identifiers: ClinVar variation 947580 (VCV000947580.7), dbSNP rs377254749, ClinGen allele CA1974702.